The following is an entry in ClinVar:

NM_004990.4(MARS1):c.1480T>C (p.Cys494Arg)

Gene: MARS1 (methionyl-tRNA synthetase 1; plus strand). Cytogenetic location: 12q13.3.
Variant type: single nucleotide variant.
Coding change: c.1480T>C on transcript NM_004990.4 (MANE Select); coding-DNA position 1480, T replaced by C.
Protein change: p.Cys494Arg; replaces cysteine 494 with arginine.
Molecular consequence: missense variant.
Genome position (GRCh38, 1-based): chr12:57,511,809, T>C. VCF-style: chr12-57511809-T-C. GRCh37 (hg19) VCF-style: chr12-57905592-T-C.
Other names: short protein forms C494R.
Identifiers: ClinVar variation 1922748 (VCV001922748.5), dbSNP rs2540312605, ClinGen allele CA385461570.

ClinVar aggregate classification (germline): Uncertain significance (1 of 4 stars; one submission).

Conditions:
Severe early-onset pulmonary alveolar proteinosis due to MARS deficiency. Also called: PULMONARY ALVEOLAR PROTEINOSIS, REUNION ISLAND; Interstitial lung and liver disease. Identifiers: Orphanet 440427, MedGen C4225400, MONDO:0014206, OMIM 615486.
Charcot-Marie-Tooth disease axonal type 2U. Also called: CHARCOT-MARIE-TOOTH NEUROPATHY, TYPE 2U; CHARCOT-MARIE-TOOTH DISEASE, AXONAL, AUTOSOMAL DOMINANT, TYPE 2U. Identifiers: Orphanet 397735, MedGen C4084821, MONDO:0014566, OMIM 616280.

Allele frequency attached by ClinVar (database versions not stated): gnomAD exomes below 0.00001.
gnomAD v4.1: 1 of 1,614,208 alleles (0.000062%); highest among the groups gnomAD compares: Non-Finnish European, 0.000085%; no homozygotes.

Submission:

Labcorp Genetics (formerly Invitae), Labcorp
Classification: Uncertain significance for Charcot-Marie-Tooth disease axonal type 2U; Severe early-onset pulmonary alveolar proteinosis due to MARS deficiency. Last evaluated: 2022-10-13. Review status: criteria provided, single submitter. Criteria: Invitae Variant Classification Sherloc (09022015). Collection method: clinical testing. Allele origin: germline.
Comment: This variant is not present in population databases (gnomAD no frequency). In summary, the available evidence is currently insufficient to determine the role of this variant in disease. Therefore, it has been classified as a Variant of Uncertain Significance. Algorithms developed to predict the effect of missense changes on protein structure and function (SIFT, PolyPhen-2, Align-GVGD) all suggest that this variant is likely to be disruptive. This variant has not been reported in the literature in individuals affected with MARS-related conditions. This sequence change replaces cysteine, which is neutral and slightly polar, with arginine, which is basic and polar, at codon 494 of the MARS protein (p.Cys494Arg).